The following is an entry in ClinVar:

NM_019844.4(SLCO1B3):c.482-10G>T

Genes: SLCO1B3 (solute carrier organic anion transporter family member 1B3; plus strand), SLCO1B3-SLCO1B7 (SLCO1B3-SLCO1B7 readthrough; plus strand). Cytogenetic location: 12p12.2.
Variant type: single nucleotide variant.
Coding change: c.482-10G>T on transcript NM_019844.4 (MANE Select); 10 bases into the intron before coding-DNA position 482, G replaced by T.
Molecular consequence: intron variant.
Genome position (GRCh38, 1-based): chr12:20,862,402, G>T. VCF-style: chr12-20862402-G-T. GRCh37 (hg19) VCF-style: chr12-21015336-G-T.
Other names: c.398-10G>T (NM_001349920.2); c.482-10G>T (NM_001371097.1).
Identifiers: ClinVar variation 3048222 (VCV003048222.2), dbSNP rs759795528, ClinGen allele CA6475217.

ClinVar aggregate classification (germline): Likely benign (0 of 4 stars; one submission).

Conditions:
SLCO1B3-related disorder. Also called: SLCO1B3-related condition.

Allele frequency attached by ClinVar (database versions not stated): gnomAD 0.00001; gnomAD exomes 0.00001; ExAC 0.00002.
gnomAD v4.1: 22 of 1,603,494 alleles (0.0014%); highest among the groups gnomAD compares: Non-Finnish European, 0.0017%; no homozygotes.

Submission:

PreventionGenetics, part of Exact Sciences
Classification: Likely benign for SLCO1B3-related condition. Last evaluated: 2023-07-17. Review status: no assertion criteria provided. Collection method: clinical testing. Allele origin: germline.
Comment: This variant is classified as likely benign based on ACMG/AMP sequence variant interpretation guidelines (Richards et al. 2015 PMID: 25741868, with internal and published modifications).